The following is an entry in ClinVar:

ClinVar aggregate classification (germline): Uncertain significance (1 of 4 stars; one submission).

Conditions:
FCSK-related disorder. Also called: FCSK-related condition.

gnomAD v4.1: 36 of 1,613,508 alleles (0.0022%); highest among the groups gnomAD compares: Non-Finnish European, 0.003%; no homozygotes.

Submission:

PreventionGenetics, part of Exact Sciences
Classification: Uncertain significance for FCSK-related condition. Last evaluated: 2025-06-13. Review status: criteria provided, single submitter. Criteria: ACMG Guidelines, 2015. Collection method: clinical testing. Allele origin: germline.
Comment: The FCSK c.664-2A>G variant is predicted to disrupt the AG splice acceptor site and interfere with normal splicing. To our knowledge, this variant has not been reported in the literature. This variant is reported in 0.0016% of alleles in individuals of European (Non-Finnish) descent in gnomAD. At this time, the clinical significance of this variant is uncertain due to the absence of conclusive functional and genetic evidence.

NM_145059.3(FCSK):c.664-2A>G

Gene: FCSK (fucose kinase; plus strand). Cytogenetic location: 16q22.1.
Variant type: single nucleotide variant.
Coding change: c.664-2A>G on transcript NM_145059.3 (MANE Select); the canonical splice acceptor site of the intron before coding-DNA position 664, A replaced by G.
Molecular consequence: splice acceptor variant.
Genome position (GRCh38, 1-based): chr16:70,468,847, A>G. VCF-style: chr16-70468847-A-G. GRCh37 (hg19) VCF-style: chr16-70502750-A-G.
Identifiers: ClinVar variation 4987564 (VCV004987564.1).
Genomic context (GRCh38, chr16:70,468,847, plus strand): 5'-TGACTTGTACCAGGGCCTGGTCCAGGGCCCTCCATCTCTGATCCTTTTGGGGTCCCTTCC[A>G]GGTCTCTGGGGTTGTCTTCTTCTCTGTGGAGACTGCCGAGCGCCTCCTAGCCACCCACGT-3'